The following is an entry in ClinVar:

NM_000218.3(KCNQ1):c.1514+26458C>G

Genes: KCNQ1 (potassium voltage-gated channel subfamily Q member 1; plus strand), KCNQ1OT1 (KCNQ1 opposite strand/antisense transcript 1; minus strand). Cytogenetic location: 11p15.5.
Variant type: single nucleotide variant.
Coding change: c.1514+26458C>G on transcript NM_000218.3 (MANE Select); 26458 bases into the intron after coding-DNA position 1514, C replaced by G.
Molecular consequence: intron variant. On other transcripts: non-coding transcript variant (1).
Genome position (GRCh38, 1-based): chr11:2,688,539, C>G. VCF-style: chr11-2688539-C-G. GRCh37 (hg19) VCF-style: chr11-2709769-C-G.
Other names: c.1244+26458C>G (NM_001406837.1); c.1418+26458C>G (NM_001406836.1); c.974+26458C>G (NM_001406838.1); c.1133+26458C>G (NM_181798.2).
Identifiers: ClinVar variation 4873954 (VCV004873954.2).

ClinVar aggregate classification (germline): Likely benign (1 of 4 stars; one submission).

gnomAD v4.1: 10 of 398,734 alleles (0.0025%); highest among the groups gnomAD compares: Admixed American, 0.031%; no homozygotes.

Submission:

CeGaT Center for Human Genetics Tuebingen
Classification: Likely benign. Last evaluated: 2026-06-01. Review status: criteria provided, single submitter. Criteria: CeGaT Center For Human Genetics Tuebingen Variant Classification Criteria Version 2. Collection method: clinical testing. Allele origin: germline. Affected: yes. Observed: 1 variant allele.
Comment: KCNQ1OT1: BS2